The following is an entry in ClinVar:

NM_138694.4(PKHD1):c.779-2A>G

Gene: PKHD1 (PKHD1 ciliary IPT domain containing fibrocystin/polyductin; minus strand). Cytogenetic location: 6p12.2.
Variant type: single nucleotide variant.
Coding change: c.779-2A>G on transcript NM_138694.4 (MANE Select); the canonical splice acceptor site of the intron before coding-DNA position 779, A replaced by G.
Molecular consequence: splice acceptor variant.
Genome position (GRCh38, 1-based): chr6:52,066,079, T>C on the plus strand (A>G on the coding strand, the complement: PKHD1 is on the minus strand). VCF-style: chr6-52066079-T-C. GRCh37 (hg19) VCF-style: chr6-51930877-T-C.
Other names: c.779-2A>G (NM_138694.3, NM_170724.3).
Identifiers: ClinVar variation 1497135 (VCV001497135.7), dbSNP rs2128224166, ClinGen allele CA364431338.

ClinVar aggregate classification (germline): Likely pathogenic. Review status: criteria provided, multiple submitters, no conflicts (2 of 4 stars). 2 submissions from 2 submitters: Likely pathogenic (2). Last evaluated 2025-09-22.

Conditions:
Autosomal recessive polycystic kidney disease (ARPKD). Also called: AR polycystic kidney disease. Identifiers: Orphanet 731, Orphanet 8378, MedGen C0085548, MeSH D017044, MONDO:0009889.

Submissions (2):

Natera, Inc.
Classification: Likely pathogenic for Autosomal recessive polycystic kidney disease. Last evaluated: 2025-09-22. Review status: criteria provided, single submitter. Criteria: Natera Variant Classification Schema (03/2026). Collection method: clinical testing. Allele origin: germline.
Comment: The c.779-2A>G variant in PKHD1 is a canonical splice acceptor site variant predicted to affect pre-mRNA splicing, which may result in an abnormal transcript and altered protein product. This variant is expected to result in nonsense mediated decay, truncation, or a dysfunctional protein product. This variant is rare in the general population with a frequency below the threshold expected for the associated phenotype(s). Given the available evidence, this variant is classified as Likely Pathogenic.

Labcorp Genetics (formerly Invitae), Labcorp
Classification: Likely pathogenic for Autosomal recessive polycystic kidney disease. Last evaluated: 2023-08-22. Review status: criteria provided, single submitter. Criteria: Invitae Variant Classification Sherloc (09022015). Collection method: clinical testing. Allele origin: germline.
Comment: Algorithms developed to predict the effect of sequence changes on RNA splicing suggest that this variant may disrupt the consensus splice site. ClinVar contains an entry for this variant (Variation ID: 1497135). This variant has not been reported in the literature in individuals affected with PKHD1-related conditions. This variant is not present in population databases (gnomAD no frequency). This sequence change affects an acceptor splice site in intron 11 of the PKHD1 gene. It is expected to disrupt RNA splicing. Variants that disrupt the donor or acceptor splice site typically lead to a loss of protein function (PMID: 16199547), and loss-of-function variants in PKHD1 are known to be pathogenic (PMID: 19940839). In summary, the currently available evidence indicates that the variant is pathogenic, but additional data are needed to prove that conclusively. Therefore, this variant has been classified as Likely Pathogenic.

Literature cited by the submitters: PubMed 16199547 (cited by Labcorp Genetics (formerly Invitae), Labcorp); PubMed 19940839 (cited by Labcorp Genetics (formerly Invitae), Labcorp).